The following is an entry in ClinVar:

ClinVar aggregate classification (germline): Uncertain significance (1 of 4 stars; one submission).

Conditions:
Epilepsy, familial adult myoclonic, 5 (EPEO5). Also called: CORTICAL MYOCLONIC TREMOR WITH EPILEPSY, FAMILIAL, 5. Identifiers: Orphanet 86814, MedGen C3809374, MONDO:0014167, OMIM 615400.

Allele frequency attached by ClinVar (database versions not stated): gnomAD exomes 0.00001 and 0.00003; TOPMed 0.00002; gnomAD 0.00003; ExAC 0.00006; ESP Exome Variant Server 0.00008.
gnomAD v4.1: 19 of 1,613,576 alleles (0.0012%); highest among the groups gnomAD compares: Middle Eastern, 0.016%; no homozygotes.

Submission:

Labcorp Genetics (formerly Invitae), Labcorp
Classification: Uncertain significance for Epilepsy, familial adult myoclonic, 5. Last evaluated: 2021-09-15. Review status: criteria provided, single submitter. Criteria: Invitae Variant Classification Sherloc (09022015). Collection method: clinical testing. Allele origin: germline.
Comment: This sequence change replaces alanine with valine at codon 308 of the CNTN2 protein (p.Ala308Val). The alanine residue is highly conserved and there is a small physicochemical difference between alanine and valine. This variant is present in population databases (rs370834023, ExAC 0.008%). This variant has not been reported in the literature in individuals affected with CNTN2-related conditions. Algorithms developed to predict the effect of missense changes on protein structure and function (SIFT, PolyPhen-2, Align-GVGD) all suggest that this variant is likely to be disruptive. In summary, the available evidence is currently insufficient to determine the role of this variant in disease. Therefore, it has been classified as a Variant of Uncertain Significance.

NM_005076.5(CNTN2):c.923C>T (p.Ala308Val)

Gene: CNTN2 (contactin 2; plus strand). Cytogenetic location: 1q32.1.
Variant type: single nucleotide variant.
Coding change: c.923C>T on transcript NM_005076.5 (MANE Select); coding-DNA position 923, C replaced by T.
Protein change: p.Ala308Val; replaces alanine 308 with valine.
Molecular consequence: missense variant. On other transcripts: non-coding transcript variant (1).
Genome position (GRCh38, 1-based): chr1:205,061,370, C>T. VCF-style: chr1-205061370-C-T. GRCh37 (hg19) VCF-style: chr1-205030498-C-T.
Other names: c.923C>T, p.Ala308Val (NM_001346083.2); short protein forms A308V.
Identifiers: ClinVar variation 1431498 (VCV001431498.3), dbSNP rs370834023, ClinGen allele CA1351189.